The following is an entry in ClinVar:

NC_000004.12:g.88523800dup

Gene: PYURF (PIGY upstream open reading frame; minus strand). Cytogenetic location: 4q22.1.
Variant type: Duplication.
Genome position: GRCh38 VCF-style: chr4-88523795-G-GC. GRCh37 (hg19) VCF-style: chr4-89444946-G-GC.
Identifiers: ClinVar variation 2654942 (VCV002654942.22), dbSNP rs532180553, ClinGen allele CA100931035.

ClinVar aggregate classification (germline): Likely benign (1 of 4 stars; one submission).

Submission:

CeGaT Center for Human Genetics Tuebingen
Classification: Likely benign. Last evaluated: 2022-06-01. Review status: criteria provided, single submitter. Criteria: CeGaT Center For Human Genetics Tuebingen Variant Classification Criteria Version 2. Collection method: clinical testing. Allele origin: germline. Affected: yes. Observed: 1 variant allele.
Comment: PYURF: BS2